The following is an entry in ClinVar:

ClinVar aggregate classification (germline): Likely benign. Review status: criteria provided, multiple submitters, no conflicts (2 of 4 stars). 5 submissions from 5 submitters: Likely benign (2). 3 of the submissions do not count toward it. Last evaluated 2024-08-22.

Conditions:
TAF1-related disorder. Also called: TAF1-related condition.

Allele frequency attached by ClinVar (database versions not stated): ExAC 0.00001; gnomAD exomes 0.00001 and 0.00010; TOPMed 0.00002; gnomAD 0.00003.
gnomAD v4.1: 114 of 1,209,876 alleles (0.0094%); highest among the groups gnomAD compares: Non-Finnish European, 0.012%; no homozygotes.

Submissions (5):

Blueprint Genetics
Classification: Likely benign. Last evaluated: 2024-08-22. Review status: criteria provided, single submitter. Criteria: ACMG Guidelines, 2015. Collection method: clinical testing. Allele origin: germline.

Labcorp Genetics (formerly Invitae), Labcorp
Classification: Likely benign. Last evaluated: 2023-02-22. Review status: criteria provided, single submitter. Criteria: Invitae Variant Classification Sherloc (09022015). Collection method: clinical testing. Allele origin: germline.

PreventionGenetics, part of Exact Sciences
Classification: Likely benign for TAF1-related condition. Last evaluated: 2021-03-02. Review status: no assertion criteria provided. Collection method: clinical testing. Allele origin: germline. Not counted in ClinVar's aggregate classification.
Comment: This variant is classified as likely benign based on ACMG/AMP sequence variant interpretation guidelines (Richards et al. 2015 PMID: 25741868, with internal and published modifications).

Clinical Genetics DNA and cytogenetics Diagnostics Lab, Erasmus MC, Erasmus Medical Center
Classification: Likely benign. Review status: no assertion criteria provided. Collection method: clinical testing. Allele origin: germline. Affected: yes. Study: VKGL Data-share Consensus. Not counted in ClinVar's aggregate classification.

Diagnostic Laboratory, Department of Genetics, University Medical Center Groningen
Classification: Likely benign. Review status: no assertion criteria provided. Collection method: clinical testing. Allele origin: germline. Affected: yes. Study: VKGL Data-share Consensus. Not counted in ClinVar's aggregate classification.

NM_004606.5(TAF1):c.4293C>A (p.Leu1431=)

Gene: TAF1 (TATA-box binding protein associated factor 1; plus strand). Cytogenetic location: Xq13.1.
Variant type: single nucleotide variant.
Coding change: c.4293C>A on transcript NM_004606.5 (MANE Select); coding-DNA position 4293, C replaced by A.
Protein change: p.Leu1431=; no amino-acid change (leucine 1431 retained).
Molecular consequence: synonymous variant. On other transcripts: non-coding transcript variant (9).
Genome position (GRCh38, 1-based): chrX:71,408,060, C>A. VCF-style: chrX-71408060-C-A. GRCh37 (hg19) VCF-style: chrX-70627910-C-A.
Other names: c.4353C>A (NM_001286074.1); c.4293C>A, p.Leu1431= (NM_001286074.2); c.4230C>A, p.Leu1410= (NM_138923.4).
Identifiers: ClinVar variation 1175165 (VCV001175165.10), dbSNP rs764316182, ClinGen allele CA10447143.